The following is an entry in ClinVar:

NM_001042603.3(KDM5A):c.1170A>G (p.Val390=)

Gene: KDM5A (lysine demethylase 5A; minus strand). Cytogenetic location: 12p13.33.
Variant type: single nucleotide variant.
Coding change: c.1170A>G on transcript NM_001042603.3 (MANE Select); coding-DNA position 1170, A replaced by G.
Protein change: p.Val390=; no amino-acid change (valine 390 retained).
Molecular consequence: synonymous variant.
Genome position (GRCh38, 1-based): chr12:350,759, T>C on the plus strand (A>G on the coding strand, the complement: KDM5A is on the minus strand). VCF-style: chr12-350759-T-C. GRCh37 (hg19) VCF-style: chr12-459925-T-C.
Identifiers: ClinVar variation 5041181 (VCV005041181.1).

ClinVar aggregate classification (germline): Likely benign (1 of 4 stars; one submission).

gnomAD v4.1: 48 of 1,614,076 alleles (0.003%); highest among the groups gnomAD compares: Non-Finnish European, 0.0036%; no homozygotes.

Submission:

CeGaT Center for Human Genetics Tuebingen
Classification: Likely benign. Last evaluated: 2026-09-01. Review status: criteria provided, single submitter. Criteria: CeGaT Center For Human Genetics Tuebingen Variant Classification Criteria Version 2. Collection method: clinical testing. Allele origin: germline. Affected: yes. Observed: 1 variant allele.
Comment: KDM5A: BP4, BP7